The following is an entry in ClinVar:

NM_020937.4(FANCM):c.3581T>C (p.Ile1194Thr)

Gene: FANCM (FA complementation group M; plus strand). Cytogenetic location: 14q21.2.
Variant type: single nucleotide variant.
Coding change: c.3581T>C on transcript NM_020937.4 (MANE Select); coding-DNA position 3581, T replaced by C.
Protein change: p.Ile1194Thr; replaces isoleucine 1194 with threonine.
Molecular consequence: missense variant.
Genome position (GRCh38, 1-based): chr14:45,176,335, T>C. VCF-style: chr14-45176335-T-C. GRCh37 (hg19) VCF-style: chr14-45645538-T-C.
Other names: c.3503T>C, p.Ile1168Thr (NM_001308133.2); short protein forms I1168T, I1194T.
Identifiers: ClinVar variation 5021540 (VCV005021540.1).

ClinVar aggregate classification (germline): Uncertain significance (1 of 4 stars; one submission).

Conditions:
Inborn genetic diseases. Identifiers: MedGen C0950123, MeSH D030342.

gnomAD v4.1: 1 of 1,613,760 alleles (0.000062%); highest among the groups gnomAD compares: African/African-American, 0.0013%; no homozygotes.

Submission:

Ambry Genetics
Classification: Uncertain significance for Inborn genetic diseases. Last evaluated: 2026-09-05. Review status: criteria provided, single submitter. Criteria: Ambry Variant Classification Scheme 2023. Collection method: clinical testing. Allele origin: germline.
Comment: The p.I1194T variant (also known as c.3581T>C), located in coding exon 14 of the FANCM gene, results from a T to C substitution at nucleotide position 3581. The isoleucine at codon 1194 is replaced by threonine, an amino acid with similar properties. This amino acid position is conserved. In addition, this alteration is predicted to be tolerated by in silico analysis. Based on the available evidence, the clinical significance of this variant remains unclear.